The following is an entry in ClinVar:

NM_002354.3(EPCAM):c.421A>T (p.Thr141Ser)

Gene: EPCAM (epithelial cell adhesion molecule; plus strand). Cytogenetic location: 2p21.
Variant type: single nucleotide variant.
Coding change: c.421A>T on transcript NM_002354.3 (MANE Select); coding-DNA position 421, A replaced by T.
Protein change: p.Thr141Ser; replaces threonine 141 with serine.
Molecular consequence: missense variant.
Genome position (GRCh38, 1-based): chr2:47,374,044, A>T. VCF-style: chr2-47374044-A-T. GRCh37 (hg19) VCF-style: chr2-47601183-A-T.
Other names: short protein forms T141S.
Identifiers: ClinVar variation 3509194 (VCV003509194.1).

ClinVar aggregate classification (germline): Uncertain significance (1 of 4 stars; one submission).

Conditions:
Hereditary cancer-predisposing syndrome. Also called: Tumor predisposition; Neoplastic Syndromes, Hereditary; Hereditary Cancer Syndrome; Hereditary neoplastic syndrome. Identifiers: Orphanet 140162, MedGen C0027672, MeSH D009386, MONDO:0015356.

Submission:

Ambry Genetics
Classification: Uncertain significance for Hereditary cancer-predisposing syndrome. Last evaluated: 2024-10-18. Review status: criteria provided, single submitter. Criteria: Ambry Variant Classification Scheme 2023. Collection method: clinical testing. Allele origin: germline.
Comment: The p.T141S variant (also known as c.421A>T), located in coding exon 3 of the EPCAM gene, results from an A to T substitution at nucleotide position 421. The threonine at codon 141 is replaced by serine, an amino acid with similar properties. This amino acid position is conserved. In addition, the in silico prediction for this alteration is inconclusive. Based on the available evidence, the clinical significance of this variant remains unclear.